The following is an entry in ClinVar:

NM_001165963.4(SCN1A):c.2695A>G (p.Ile899Val)

Gene: SCN1A (sodium voltage-gated channel alpha subunit 1; minus strand). Cytogenetic location: 2q24.3.
Variant type: single nucleotide variant.
Coding change: c.2695A>G on transcript NM_001165963.4 (MANE Select); coding-DNA position 2695, A replaced by G.
Protein change: p.Ile899Val; replaces isoleucine 899 with valine.
Molecular consequence: missense variant. On other transcripts: non-coding transcript variant (1).
Genome position (GRCh38, 1-based): chr2:166,038,027, T>C on the plus strand (A>G on the coding strand, the complement: SCN1A is on the minus strand). VCF-style: chr2-166038027-T-C. GRCh37 (hg19) VCF-style: chr2-166894537-T-C.
Other names: c.2611A>G, p.Ile871Val (NM_001353957.2, NM_001353958.2, NM_001165964.3); c.2608A>G, p.Ile870Val (NM_001353960.2); c.253A>G, p.Ile85Val (NM_001353961.2); c.2662A>G, p.Ile888Val (NM_006920.6, NM_001353949.2, NM_001353950.2 and 2 more transcripts); c.2695A>G, p.Ile899Val (NM_001202435.3, NM_001353948.2); c.2659A>G, p.Ile887Val (NM_001353954.2, NM_001353955.2); short protein forms I871V, I888V, I870V, I887V, I85V, I899V.
Identifiers: ClinVar variation 2906319 (VCV002906319.3), dbSNP rs778340657, ClinGen allele CA1943056.

ClinVar aggregate classification (germline): Uncertain significance (1 of 4 stars; one submission).

Conditions:
Early-infantile DEE. Also called: Early infantile epileptic encephalopathy; Ohtahara syndrome; Early infantile epileptic encephalopathy with suppression bursts. Identifiers: Orphanet 1934, MedGen C0393706, MONDO:0800491.

Allele frequency attached by ClinVar (database versions not stated): ExAC 0.00001; gnomAD exomes below 0.00001.
gnomAD v4.1: 3 of 1,614,224 alleles (0.00019%); highest among the groups gnomAD compares: Non-Finnish European, 0.00025%; no homozygotes.

Submission:

Labcorp Genetics (formerly Invitae), Labcorp
Classification: Uncertain significance for Early-infantile DEE. Last evaluated: 2024-10-07. Review status: criteria provided, single submitter. Criteria: Invitae Variant Classification Sherloc (09022015). Collection method: clinical testing. Allele origin: germline.
Comment: This sequence change replaces isoleucine, which is neutral and non-polar, with valine, which is neutral and non-polar, at codon 899 of the SCN1A protein (p.Ile899Val). This variant is present in population databases (rs778340657, gnomAD 0.0009%). This variant has not been reported in the literature in individuals affected with SCN1A-related conditions. Invitae Evidence Modeling of protein sequence and biophysical properties (such as structural, functional, and spatial information, amino acid conservation, physicochemical variation, residue mobility, and thermodynamic stability) indicates that this missense variant is expected to disrupt SCN1A protein function with a positive predictive value of 95%. In summary, the available evidence is currently insufficient to determine the role of this variant in disease. Therefore, it has been classified as a Variant of Uncertain Significance.